The following is an entry in ClinVar:

NM_001130823.3(DNMT1):c.1842G>A (p.Gln614=)

Gene: DNMT1 (DNA methyltransferase 1; minus strand). Cytogenetic location: 19p13.2.
Variant type: single nucleotide variant.
Coding change: c.1842G>A on transcript NM_001130823.3 (MANE Select); coding-DNA position 1842, G replaced by A.
Protein change: p.Gln614=; no amino-acid change (glutamine 614 retained).
Molecular consequence: synonymous variant.
Genome position (GRCh38, 1-based): chr19:10,154,470, C>T on the plus strand (G>A on the coding strand, the complement: DNMT1 is on the minus strand). VCF-style: chr19-10154470-C-T. GRCh37 (hg19) VCF-style: chr19-10265146-C-T.
Other names: c.1794G>A, p.Gln598= (NM_001318730.2, NM_001379.4); c.1479G>A, p.Gln493= (NM_001318731.2); c.1842G>A (NM_001130823.2).
Identifiers: ClinVar variation 890057 (VCV000890057.6), dbSNP rs756623224, ClinGen allele CA9188182.

ClinVar aggregate classification (germline): Likely benign. Review status: criteria provided, multiple submitters, no conflicts (2 of 4 stars). 3 submissions from 3 submitters: Likely benign (3). Last evaluated 2026-07-07.

Conditions:
DNMT1-related disorder. Also called: DNMT1-related condition. Identifiers: MedGen CN381527.
Hereditary sensory neuropathy-deafness-dementia syndrome. Also called: NEUROPATHY, HEREDITARY SENSORY, WITH HEARING LOSS AND DEMENTIA; HSN IE; Hereditary sensory neuropathy type IE; Hereditary Sensory and Autonomic Neuropathy Type 1E (HSAN1E). Identifiers: Orphanet 456318, MedGen C3279885, MONDO:0013584, OMIM 614116.

Allele frequency attached by ClinVar (database versions not stated): gnomAD exomes below 0.00001 and 0.00002; gnomAD 0.00001; ExAC 0.00004.
gnomAD v4.1: 9 of 1,614,098 alleles (0.00056%); highest among the groups gnomAD compares: Admixed American, 0.0017%; no homozygotes.

Submissions (3):

PreventionGenetics, part of Exact Sciences
Classification: Likely benign for DNMT1-related condition. Last evaluated: 2026-07-07. Review status: criteria provided, single submitter. Criteria: ACMG Guidelines, 2015. Collection method: clinical testing. Allele origin: germline.
Comment: This variant is classified as likely benign based on ACMG/AMP sequence variant interpretation guidelines (Richards et al. 2015 PMID: 25741868, with internal and published modifications).

Labcorp Genetics (formerly Invitae), Labcorp
Classification: Likely benign for Hereditary sensory neuropathy-deafness-dementia syndrome. Last evaluated: 2025-09-03. Review status: criteria provided, single submitter. Criteria: Invitae Variant Classification Sherloc (09022015). Collection method: clinical testing. Allele origin: germline.

Illumina Laboratory Services, Illumina
Classification: Likely benign for Hereditary sensory neuropathy-deafness-dementia syndrome. Last evaluated: 2018-01-13. Review status: criteria provided, single submitter. Criteria: ICSL Variant Classification Criteria 13 December 2019. Collection method: clinical testing. Allele origin: germline.
Comment: This variant was observed in the ICSL laboratory as part of a predisposition screen in an ostensibly healthy population. It had not been previously curated by ICSL or reported in the Human Gene Mutation Database (HGMD: prior to June 1st, 2018), and was therefore a candidate for classification through an automated scoring system. Utilizing variant allele frequency, disease prevalence and penetrance estimates, and inheritance mode, an automated score was calculated to assess if this variant is too frequent to cause the disease. Based on the score and internal cut-off values, a variant classified as likely benign is not then subjected to further curation. The score for this variant resulted in a classification of likely benign for this disease.